The following is an entry in ClinVar:

ClinVar aggregate classification (germline): Uncertain significance (1 of 4 stars; one submission).

Conditions:
Hereditary nonpolyposis colorectal neoplasms. Identifiers: MedGen C0009405, MeSH D003123.

Submission:

Labcorp Genetics (formerly Invitae), Labcorp
Classification: Uncertain significance for Hereditary nonpolyposis colorectal neoplasms. Last evaluated: 2021-08-17. Review status: criteria provided, single submitter. Criteria: Invitae Variant Classification Sherloc (09022015). Collection method: clinical testing. Allele origin: germline.
Comment: This sequence change replaces isoleucine with phenylalanine at codon 768 of the PMS2 protein (p.Ile768Phe). The isoleucine residue is weakly conserved and there is a small physicochemical difference between isoleucine and phenylalanine. The frequency data for this variant in the population databases (ExAC) is considered unreliable due to the presence of homologous sequence, such as pseudogenes or paralogs, in the genome. In summary, the available evidence is currently insufficient to determine the role of this variant in disease. Therefore, it has been classified as a Variant of Uncertain Significance. Advanced modeling of protein sequence and biophysical properties (such as structural, functional, and spatial information, amino acid conservation, physicochemical variation, residue mobility, and thermodynamic stability) performed at Invitae indicates that this missense variant is not expected to disrupt PMS2 protein function. This variant has not been reported in the literature in individuals affected with PMS2-related conditions.

NM_000535.7(PMS2):c.2302A>T (p.Ile768Phe)

Gene: PMS2 (PMS1 homolog 2, mismatch repair system component; minus strand). Cytogenetic location: 7p22.1.
Variant type: single nucleotide variant.
Coding change: c.2302A>T on transcript NM_000535.7 (MANE Select); coding-DNA position 2302, A replaced by T.
Protein change: p.Ile768Phe; replaces isoleucine 768 with phenylalanine.
Molecular consequence: missense variant.
Genome position (GRCh38, 1-based): chr7:5,977,731, T>A on the plus strand (A>T on the coding strand, the complement: PMS2 is on the minus strand). VCF-style: chr7-5977731-T-A. GRCh37 (hg19) VCF-style: chr7-6017362-T-A.
Other names: c.1897A>T, p.Ile633Phe (NM_001322003.2, NM_001322004.2, NM_001322005.2); c.2146A>T, p.Ile716Phe (NM_001322006.2); c.1984A>T, p.Ile662Phe (NM_001322007.2, NM_001322008.2); c.1930A>T, p.Ile644Phe (NM_001322009.2); c.1741A>T, p.Ile581Phe (NM_001322010.2); c.1369A>T, p.Ile457Phe (NM_001322011.2, NM_001322012.2); c.1729A>T, p.Ile577Phe (NM_001322013.2); c.2335A>T, p.Ile779Phe (NM_001322014.2); and 1 more; short protein forms I581F, I665F, I457F, I577F, I716F, I633F, I644F, I662F.
Identifiers: ClinVar variation 1490140 (VCV001490140.6), dbSNP rs2128675445, ClinGen allele CA366736082.